The following is an entry in ClinVar:

ClinVar aggregate classification (germline): Likely benign (1 of 4 stars; one submission).

Allele frequency attached by ClinVar (database versions not stated): TOPMed 0.00001.
gnomAD v4.1: 30 of 1,242,880 alleles (0.0024%); highest among the groups gnomAD compares: Middle Eastern, 0.03%; no homozygotes.

Submission:

CeGaT Center for Human Genetics Tuebingen
Classification: Likely benign. Last evaluated: 2022-04-01. Review status: criteria provided, single submitter. Criteria: CeGaT Center For Human Genetics Tuebingen Variant Classification Criteria Version 2. Collection method: clinical testing. Allele origin: germline. Affected: yes. Observed: 1 variant allele.
Comment: ERI1: BP4, BP7

NM_153332.4(ERI1):c.105C>G (p.Pro35=)

Gene: ERI1 (exoribonuclease 1). Cytogenetic location: 8p23.1.
Variant type: single nucleotide variant.
Coding change: c.105C>G on transcript NM_153332.4 (MANE Select); coding-DNA position 105, C replaced by G.
Protein change: p.Pro35=; no amino-acid change (proline 35 retained).
Molecular consequence: synonymous variant. On other transcripts: 5 prime UTR variant (2).
Genome position (GRCh38, 1-based): chr8:9,003,168, C>G. VCF-style: chr8-9003168-C-G. GRCh37 (hg19) VCF-style: chr8-8860678-C-G.
Other names: c.-289C>G (NM_001354635.2); c.-579C>G (NM_001354636.2); c.105C>G, p.Pro35= (NM_001354638.2).
Identifiers: ClinVar variation 2658380 (VCV002658380.24), dbSNP rs979472579, ClinGen allele CA171619986.